The following is an entry in ClinVar:

NM_001868.4(CPA1):c.631G>A (p.Asp211Asn)

Gene: CPA1 (carboxypeptidase A1; plus strand). Cytogenetic location: 7q32.2.
Variant type: single nucleotide variant.
Coding change: c.631G>A on transcript NM_001868.4 (MANE Select); coding-DNA position 631, G replaced by A.
Protein change: p.Asp211Asn; replaces aspartic acid 211 with asparagine.
Molecular consequence: missense variant.
Genome position (GRCh38, 1-based): chr7:130,383,729, G>A. VCF-style: chr7-130383729-G-A. GRCh37 (hg19) VCF-style: chr7-130023570-G-A.
Other names: short protein forms D211N.
Identifiers: ClinVar variation 1752836 (VCV001752836.3), dbSNP rs2536008803, ClinGen allele CA369282724.
Genomic context (GRCh38, chr7:130,383,729, plus strand): 5'-CCTCTAACCCCCCAGATCACTCAAGACTACGGGCAGGATGCAGCTTTCACCGCCATTCTC[G>A]ACACCTTGGACATCTTCCTGGAGATCGTCACCAACCCTGATGGCTTTGCCTTCACGCACA-3'
Protein context (NP_001859.1, residues 201-221): GQDAAFTAIL[Asp211Asn]TLDIFLEIVT

ClinVar aggregate classification (germline): Uncertain significance (1 of 4 stars; one submission).

Conditions:
Hereditary pancreatitis (PCTT). Also called: Hereditary chronic pancreatitis; PRSS1-Related Hereditary Pancreatitis. Identifiers: Orphanet 676, MedGen C0238339, MONDO:0008185, OMIM 167800.

Allele frequency attached by ClinVar (database versions not stated): gnomAD exomes below 0.00001.
gnomAD v4.1: 4 of 1,614,154 alleles (0.00025%); highest among the groups gnomAD compares: African/African-American, 0.0027%; no homozygotes.

Submission:

Ambry Genetics
Classification: Uncertain significance for Hereditary pancreatitis. Last evaluated: 2024-03-22. Review status: criteria provided, single submitter. Criteria: Ambry Variant Classification Scheme 2023. Collection method: clinical testing. Allele origin: germline.
Comment: The p.D211N variant (also known as c.631G>A), located in coding exon 6 of the CPA1 gene, results from a G to A substitution at nucleotide position 631. The aspartic acid at codon 211 is replaced by asparagine, an amino acid with highly similar properties. This amino acid position is conserved. In addition, this alteration is predicted to be tolerated by in silico analysis. Since supporting evidence is limited at this time, the clinical significance of this alteration remains unclear.